The following is an entry in ClinVar:

NM_001267550.2(TTN):c.102445G>C (p.Glu34149Gln)

Genes: TTN (titin; minus strand), TTN-AS1 (TTN antisense RNA 1; plus strand). Cytogenetic location: 2q31.2.
Variant type: single nucleotide variant.
Coding change: c.102445G>C on transcript NM_001267550.2 (MANE Select); coding-DNA position 102445, G replaced by C.
Protein change: p.Glu34149Gln; replaces glutamic acid 34149 with glutamine.
Molecular consequence: missense variant.
Genome position (GRCh38, 1-based): chr2:178,534,170, C>G on the plus strand (G>C on the coding strand, the complement: TTN is on the minus strand). VCF-style: chr2-178534170-C-G. GRCh37 (hg19) VCF-style: chr2-179398897-C-G.
Other names: c.97522G>C, p.Glu32508Gln (NM_001256850.1); c.75250G>C, p.Glu25084Gln (NM_003319.4); c.94741G>C, p.Glu31581Gln (NM_133378.4); c.75625G>C, p.Glu25209Gln (NM_133432.3); c.75826G>C, p.Glu25276Gln (NM_133437.4); short protein forms E25209Q, E34149Q, E25084Q, E31581Q, E25276Q, E32508Q.
Identifiers: ClinVar variation 2947906 (VCV002947906.3), dbSNP rs780580255, ClinGen allele CA349417525.

ClinVar aggregate classification (germline): Uncertain significance (1 of 4 stars; one submission).

Conditions:
Dilated cardiomyopathy 1G (CMD1G). Identifiers: Orphanet 154, MedGen C1858763, MONDO:0011400, OMIM 604145.
Autosomal recessive limb-girdle muscular dystrophy type 2J (LGMDR10). Also called: Limb-girdle muscular dystrophy, type 2J; MUSCULAR DYSTROPHY, LIMB-GIRDLE, AUTOSOMAL RECESSIVE 10. Identifiers: Orphanet 140922, MedGen C1837342, MONDO:0012127, OMIM 608807.

Submission:

Labcorp Genetics (formerly Invitae), Labcorp
Classification: Uncertain significance for Dilated cardiomyopathy 1G; Autosomal recessive limb-girdle muscular dystrophy type 2J. Last evaluated: 2024-01-12. Review status: criteria provided, single submitter. Criteria: Invitae Variant Classification Sherloc (09022015). Collection method: clinical testing. Allele origin: germline.
Comment: This sequence change replaces glutamic acid, which is acidic and polar, with glutamine, which is neutral and polar, at codon 34149 of the TTN protein (p.Glu34149Gln). This variant is not present in population databases (gnomAD no frequency). This variant has not been reported in the literature in individuals affected with TTN-related conditions. Experimental studies and prediction algorithms are not available or were not evaluated, and the functional significance of this variant is currently unknown. This variant is located in the M band of TTN (PMID: 25589632). Non-truncating variants in this region may be relevant for neuromuscular disorders, but have not been definitively shown to cause cardiomyopathy (PMID: 23975875). In summary, the available evidence is currently insufficient to determine the role of this variant in disease. Therefore, it has been classified as a Variant of Uncertain Significance.

Literature cited by the submitters: PubMed 25589632; PubMed 23975875.